The following is an entry in ClinVar:

NM_002972.4(SBF1):c.5583+1G>A

Gene: SBF1 (SET binding factor 1; minus strand). Cytogenetic location: 22q13.33.
Variant type: single nucleotide variant.
Coding change: c.5583+1G>A on transcript NM_002972.4 (MANE Select); the canonical splice donor site of the intron after coding-DNA position 5583, G replaced by A.
Molecular consequence: splice donor variant.
Genome position (GRCh38, 1-based): chr22:50,447,321, C>T on the plus strand (G>A on the coding strand, the complement: SBF1 is on the minus strand). VCF-style: chr22-50447321-C-T. GRCh37 (hg19) VCF-style: chr22-50885750-C-T.
Other names: c.5505+1G>A (NM_001410795.1); c.5508+1G>A (NM_001365819.1); c.5586+1G>A (NM_001410794.1).
Identifiers: ClinVar variation 4542462 (VCV004542462.1).
Genomic context (GRCh38, chr22:50,447,321, plus strand): 5'-GACTCCGCAGCCCCCACACCGCAGAGCCCCTCCCCTCTCCCAAGCCCCGGCCAAGGCTCA[C>T]GTCAAAGAAGGCCTTCTCGTCCACAGTCTTAGGGGCACCCATAGTGGGCGTGCCAGGTGC-3'

ClinVar aggregate classification (germline): Uncertain significance (1 of 4 stars; one submission).

gnomAD v4.1: 3 of 1,614,038 alleles (0.00019%); highest among the groups gnomAD compares: East Asian, 0.0022%; no homozygotes.

Submission:

Mayo Clinic Laboratories, Mayo Clinic
Classification: Uncertain significance. Last evaluated: 2025-11-01. Review status: criteria provided, single submitter. Criteria: ACMG Guidelines, 2015. Collection method: clinical testing. Allele origin: germline. Observed: 1 variant allele.
Comment: PM2_supporting, PVS1_moderate